The following is an entry in ClinVar:

NM_000363.5(TNNI3):c.550-1G>A

Gene: TNNI3 (troponin I3, cardiac type; minus strand). Cytogenetic location: 19q13.42.
Variant type: single nucleotide variant.
Coding change: c.550-1G>A on transcript NM_000363.5 (MANE Select); the canonical splice acceptor site of the intron before coding-DNA position 550, G replaced by A.
Molecular consequence: splice acceptor variant.
Genome position (GRCh38, 1-based): chr19:55,151,918, C>T on the plus strand (G>A on the coding strand, the complement: TNNI3 is on the minus strand). VCF-style: chr19-55151918-C-T. GRCh37 (hg19) VCF-style: chr19-55663286-C-T.
Other names: NM_000363.4c.550-1G>A.
Identifiers: ClinVar variation 492986 (VCV000492986.3), dbSNP rs1555863017, ClinGen allele CA407439702.

ClinVar aggregate classification (germline): Uncertain significance. Review status: criteria provided, multiple submitters, no conflicts (2 of 4 stars). 2 submissions from 2 submitters: Uncertain significance (2). Last evaluated 2024-02-09.

Conditions:
Hypertrophic cardiomyopathy 7. Also called: TNNI3-Related Familial Hypertrophic Cardiomyopathy; Familial hypertrophic cardiomyopathy 7; CARDIOMYOPATHY, FAMILIAL HYPERTROPHIC, 7, MODIFIER OF. Identifiers: MedGen C1860752, MONDO:0013369, OMIM 613690.

Submissions (2):

Blueprint Genetics
Classification: Uncertain significance. Last evaluated: 2024-02-09. Review status: criteria provided, single submitter. Criteria: ACMG Guidelines, 2015. Collection method: clinical testing. Allele origin: germline.

Agnes Ginges Centre for Molecular Cardiology, Centenary Institute
Classification: Uncertain significance for Hypertrophic cardiomyopathy 7. Last evaluated: 2018-11-27. Review status: criteria provided, single submitter. Criteria: ACMG Guidelines, 2015. Collection method: research. Allele origin: germline. Inheritance: Autosomal dominant inheritance. Affected: yes.
Comment: The TNNI3 550-1G>A is a novel splice acceptor variant. It is absent from the Genome Aggregation Database. Splice predicition tools MaxEntScan and AdaBoost predict that this variant results in aberrant splicing, however loss of function has not been established as a mechanism of disease in TNNI3, therefore we classify this as a variant of "uncertain significance".

Literature cited by the submitters: PubMed 28408708 (cited by Agnes Ginges Centre for Molecular Cardiology, Centenary Institute).